The following is an entry in ClinVar:

ClinVar aggregate classification (germline): Conflicting classifications of pathogenicity. Review status: criteria provided, conflicting classifications (1 of 4 stars). 3 submissions from 3 submitters: Uncertain significance (1); Likely benign (2). Last evaluated 2026-01-25.

Allele frequency attached by ClinVar (database versions not stated): ExAC 0.00003; gnomAD exomes 0.00003 and 0.00006; gnomAD 0.00005 and 0.00006; TOPMed 0.00011.
gnomAD v4.1: 93 of 1,612,662 alleles (0.0058%); highest among the groups gnomAD compares: African/African-American, 0.015%; no homozygotes.

Submissions (3):

Labcorp Genetics (formerly Invitae), Labcorp
Classification: Uncertain significance. Last evaluated: 2026-01-25. Review status: criteria provided, single submitter. Criteria: Invitae Variant Classification Sherloc (09022015). Collection method: clinical testing. Allele origin: germline.
Comment: This sequence change falls in intron 23 of the COL11A2 gene. It does not directly change the encoded amino acid sequence of the COL11A2 protein. It affects a nucleotide within the consensus splice site. This variant is present in population databases (rs746341530, gnomAD 0.009%). This variant has not been reported in the literature in individuals affected with COL11A2-related conditions. ClinVar contains an entry for this variant (Variation ID: 1188457). Variants that disrupt the consensus splice site are a relatively common cause of aberrant splicing (PMID: 17576681, 9536098). Algorithms developed to predict the effect of sequence changes on RNA splicing suggest that this variant is not likely to affect RNA splicing. In summary, the available evidence is currently insufficient to determine the role of this variant in disease. Therefore, it has been classified as a Variant of Uncertain Significance.

Blueprint Genetics
Classification: Likely benign. Last evaluated: 2022-08-08. Review status: criteria provided, single submitter. Criteria: ACMG Guidelines, 2015. Collection method: clinical testing. Allele origin: germline.

GeneDx
Classification: Likely benign. Last evaluated: 2020-12-16. Review status: criteria provided, single submitter. Criteria: GeneDx Variant Classification Process June 2021. Collection method: clinical testing. Allele origin: germline. Affected: yes.

Literature cited by the submitters: PubMed 17576681 (cited by Labcorp Genetics (formerly Invitae), Labcorp); PubMed 9536098 (cited by Labcorp Genetics (formerly Invitae), Labcorp).

NM_080680.3(COL11A2):c.1971+6C>T

Gene: COL11A2 (collagen type XI alpha 2 chain; minus strand). Cytogenetic location: 6p21.32.
Variant type: single nucleotide variant.
Coding change: c.1971+6C>T on transcript NM_080680.3 (MANE Select); 6 bases into the intron after coding-DNA position 1971, C replaced by T.
Molecular consequence: intron variant.
Genome position (GRCh38, 1-based): chr6:33,177,406, G>A on the plus strand (C>T on the coding strand, the complement: COL11A2 is on the minus strand). VCF-style: chr6-33177406-G-A. GRCh37 (hg19) VCF-style: chr6-33145183-G-A.
Other names: c.1650+6C>T (NM_080679.3); c.1713+6C>T (NM_080681.3).
Identifiers: ClinVar variation 1188457 (VCV001188457.8), dbSNP rs746341530, ClinGen allele CA3751113.
Genomic context (GRCh38, chr6:33,177,406, plus strand): 5'-CTCACCCATTGTGGAAGCCCAAGGGAAGTCATGAAAATTGGGGAACGGAGTAGGGGCACC[G>A]CTCACCTGGGTCCCAGGGGTGCCCTGTTGTCCAGGAGGTCCTGGCTCTCCCTGGGGTCCC-3'